The following is an entry in ClinVar:

ClinVar aggregate classification (germline): Benign. Review status: criteria provided, single submitter (1 of 4 stars). 2 submissions from 2 submitters: Benign (1). 1 of the submissions does not count toward it. Last evaluated 2023-06-26.

Conditions:
Frontotemporal dementia and/or amyotrophic lateral sclerosis 4. Also called: FTDALS4. Identifiers: Orphanet 275872, MedGen C4225325, MONDO:0014641, OMIM 616439.
TBK1-related disorder. Also called: TBK1-related condition.

Allele frequency attached by ClinVar (database versions not stated): gnomAD exomes 0.00002; ExAC 0.00007; gnomAD 0.00027; 1000 Genomes Project 30x 0.00031; ESP Exome Variant Server 0.00031; TOPMed 0.00034; 1000 Genomes Project 0.00040.
gnomAD v4.1: 69 of 1,569,940 alleles (0.0044%); highest among the groups gnomAD compares: African/African-American, 0.083%; no homozygotes.

Submissions (2):

Labcorp Genetics (formerly Invitae), Labcorp
Classification: Benign for Frontotemporal dementia and/or amyotrophic lateral sclerosis 4. Last evaluated: 2023-06-26. Review status: criteria provided, single submitter. Criteria: Invitae Variant Classification Sherloc (09022015). Collection method: clinical testing. Allele origin: germline.

PreventionGenetics, part of Exact Sciences
Classification: Likely benign for TBK1-related condition. Last evaluated: 2022-05-05. Review status: no assertion criteria provided. Collection method: clinical testing. Allele origin: germline. Not counted in ClinVar's aggregate classification.
Comment: This variant is classified as likely benign based on ACMG/AMP sequence variant interpretation guidelines (Richards et al. 2015 PMID: 25741868, with internal and published modifications).

NM_013254.4(TBK1):c.201T>C (p.Ile67=)

Gene: TBK1 (TANK binding kinase 1; plus strand). Cytogenetic location: 12q14.2.
Variant type: single nucleotide variant.
Coding change: c.201T>C on transcript NM_013254.4 (MANE Select); coding-DNA position 201, T replaced by C.
Protein change: p.Ile67=; no amino-acid change (isoleucine 67 retained).
Molecular consequence: synonymous variant.
Genome position (GRCh38, 1-based): chr12:64,460,302, T>C. VCF-style: chr12-64460302-T-C. GRCh37 (hg19) VCF-style: chr12-64854082-T-C.
Other names: c.201T>C (NM_013254.3).
Identifiers: ClinVar variation 1928717 (VCV001928717.7), dbSNP rs143727988, ClinGen allele CA6668732.